The following is an entry in ClinVar:

NM_000466.3(PEX1):c.3304T>C (p.Cys1102Arg)

Genes: PEX1 (peroxisomal biogenesis factor 1; minus strand), GATAD1 (GATA zinc finger domain containing 1; plus strand). Cytogenetic location: 7q21.2.
Variant type: single nucleotide variant.
Coding change: c.3304T>C on transcript NM_000466.3 (MANE Select); coding-DNA position 3304, T replaced by C.
Protein change: p.Cys1102Arg; replaces cysteine 1102 with arginine.
Molecular consequence: missense variant.
Genome position (GRCh38, 1-based): chr7:92,491,406, A>G on the plus strand (T>C on the coding strand, the complement: PEX1 is on the minus strand). VCF-style: chr7-92491406-A-G. GRCh37 (hg19) VCF-style: chr7-92120720-A-G.
Other names: p.Cys1102Arg; c.3133T>C, p.Cys1045Arg (NM_001282677.2); c.2680T>C, p.Cys894Arg (NM_001282678.2); short protein forms C1102R, C894R, C1045R.
Identifiers: ClinVar variation 965586 (VCV000965586.8), dbSNP rs752475812, ClinGen allele CA4340853.

ClinVar aggregate classification (germline): Uncertain significance. Review status: criteria provided, multiple submitters, no conflicts (2 of 4 stars). 4 submissions from 4 submitters: Uncertain significance (3). 1 of the submissions does not count toward it. Last evaluated 2025-01-18.

Conditions:
Zellweger spectrum disorders (ZS). Also called: Zellweger Spectrum Disorder; Zellweger Spectrum; Zellweger syndrome; Zellweger Spectrum Disorder (ZSD). Identifiers: Orphanet 912, MedGen C0043459, MONDO:0019609.
Inborn genetic diseases. Identifiers: MedGen C0950123, MeSH D030342.

Allele frequency attached by ClinVar (database versions not stated): gnomAD 0.00001; gnomAD exomes 0.00001 and 0.00002; TOPMed 0.00001; ExAC 0.00002.
gnomAD v4.1: 9 of 1,613,614 alleles (0.00056%); highest among the groups gnomAD compares: East Asian, 0.011%; no homozygotes.

Submissions (4):

Ambry Genetics
Classification: Uncertain significance for Inborn genetic diseases. Last evaluated: 2025-01-18. Review status: criteria provided, single submitter. Criteria: Ambry Variant Classification Scheme 2023. Collection method: clinical testing. Allele origin: germline.

Mayo Clinic Laboratories, Mayo Clinic
Classification: Uncertain significance. Last evaluated: 2022-12-08. Review status: criteria provided, single submitter. Criteria: ACMG Guidelines, 2015. Collection method: clinical testing. Allele origin: germline. Observed: 1 variant allele.
Comment: PM2

Labcorp Genetics (formerly Invitae), Labcorp
Classification: Uncertain significance for Zellweger spectrum disorders. Last evaluated: 2022-02-03. Review status: criteria provided, single submitter. Criteria: Invitae Variant Classification Sherloc (09022015). Collection method: clinical testing. Allele origin: germline.
Comment: This sequence change replaces cysteine, which is neutral and slightly polar, with arginine, which is basic and polar, at codon 1102 of the PEX1 protein (p.Cys1102Arg). This variant is present in population databases (rs752475812, gnomAD 0.02%). This variant has not been reported in the literature in individuals affected with PEX1-related conditions. ClinVar contains an entry for this variant (Variation ID: 965586). Advanced modeling of protein sequence and biophysical properties (such as structural, functional, and spatial information, amino acid conservation, physicochemical variation, residue mobility, and thermodynamic stability) performed at Invitae indicates that this missense variant is not expected to disrupt PEX1 protein function. In summary, the available evidence is currently insufficient to determine the role of this variant in disease. Therefore, it has been classified as a Variant of Uncertain Significance.

Natera, Inc.
Classification: Uncertain significance for Zellweger syndrome. Last evaluated: 2018-07-28. Review status: no assertion criteria provided. Collection method: clinical testing. Allele origin: germline. Not counted in ClinVar's aggregate classification.